The following is an entry in ClinVar:

ClinVar aggregate classification (germline): Likely pathogenic (1 of 4 stars; one submission).

Conditions:
MED13L-related disorder. Also called: MED13L-related condition.

Submission:

PreventionGenetics, part of Exact Sciences
Classification: Likely pathogenic for MED13L-related condition. Last evaluated: 2025-11-07. Review status: criteria provided, single submitter. Criteria: ACMG Guidelines, 2015. Collection method: clinical testing. Allele origin: germline.
Comment: The MED13L c.1245_1246insTT variant is predicted to result in a frameshift and premature protein termination (p.Asp416Leufs*17). To our knowledge, this variant has not been reported in the literature or in a large population database (gnomAD), indicating this variant is rare. Frameshift variants in MED13L are expected to be pathogenic. This variant is interpreted as likely pathogenic.

NM_015335.5(MED13L):c.1245_1246insTT (p.Asp416fs)

Gene: MED13L (mediator complex subunit 13L; minus strand). Cytogenetic location: 12q24.21.
Variant type: Insertion.
Coding change: c.1245_1246insTT on transcript NM_015335.5 (MANE Select); coding-DNA positions 1245 to 1246, TT inserted.
Protein change: p.Asp416fs; shifts the reading frame from aspartic acid 416.
Molecular consequence: frameshift variant.
Genome position: GRCh38 VCF-style: chr12-116012831-C-CAA. GRCh37 (hg19) VCF-style: chr12-116450636-C-CAA.
Other names: short protein forms D416fs.
Identifiers: ClinVar variation 4995582 (VCV004995582.1).